The following is an entry in ClinVar:

NM_006164.5(NFE2L2):c.136T>A (p.Tyr46Asn)

Gene: NFE2L2 (NFE2 like bZIP transcription factor 2; minus strand). Cytogenetic location: 2q31.2.
Variant type: single nucleotide variant.
Coding change: c.136T>A on transcript NM_006164.5 (MANE Select); coding-DNA position 136, T replaced by A.
Protein change: p.Tyr46Asn; replaces tyrosine 46 with asparagine.
Molecular consequence: missense variant. On other transcripts: 5 prime UTR variant (1), intron variant (1).
Genome position (GRCh38, 1-based): chr2:177,234,181, A>T on the plus strand (T>A on the coding strand, the complement: NFE2L2 is on the minus strand). VCF-style: chr2-177234181-A-T. GRCh37 (hg19) VCF-style: chr2-178098909-A-T.
Other names: c.88T>A, p.Tyr30Asn (NM_001145412.3, NM_001145413.3, NM_001313900.1 and 1 more transcripts); c.136T>A, p.Tyr46Asn (NM_001313902.2); c.-94T>A (NM_001313904.1); c.93+43T>A (NM_001313903.2); c.136T>A (NM_006164.3); short protein forms Y30N, Y46N.
Identifiers: ClinVar variation 1428339 (VCV001428339.8), dbSNP rs1197187178, ClinGen allele CA349381400.

ClinVar aggregate classification (germline): Uncertain significance. Review status: criteria provided, multiple submitters, no conflicts (2 of 4 stars). 2 submissions from 2 submitters: Uncertain significance (2). Last evaluated 2025-04-07.

Allele frequency attached by ClinVar (database versions not stated): gnomAD exomes 0.00002 and 0.00004; TOPMed 0.00003; gnomAD 0.00005.
gnomAD v4.1: 61 of 1,613,750 alleles (0.0038%); highest among the groups gnomAD compares: Non-Finnish European, 0.0052%; no homozygotes.

Submissions (2):

Ambry Genetics
Classification: Uncertain significance. Last evaluated: 2025-04-07. Review status: criteria provided, single submitter. Criteria: Ambry Variant Classification Scheme 2023. Collection method: clinical testing. Allele origin: germline.

Labcorp Genetics (formerly Invitae), Labcorp
Classification: Uncertain significance. Last evaluated: 2022-10-06. Review status: criteria provided, single submitter. Criteria: Invitae Variant Classification Sherloc (09022015). Collection method: clinical testing. Allele origin: germline.
Comment: In summary, the available evidence is currently insufficient to determine the role of this variant in disease. Therefore, it has been classified as a Variant of Uncertain Significance. Algorithms developed to predict the effect of missense changes on protein structure and function (SIFT, PolyPhen-2, Align-GVGD) all suggest that this variant is likely to be tolerated. ClinVar contains an entry for this variant (Variation ID: 1428339). This variant has not been reported in the literature in individuals affected with NFE2L2-related conditions. This variant is present in population databases (no rsID available, gnomAD 0.008%). This sequence change replaces tyrosine, which is neutral and polar, with asparagine, which is neutral and polar, at codon 46 of the NFE2L2 protein (p.Tyr46Asn).